The following is an entry in ClinVar:

NM_001606.5(ABCA2):c.4015_4016insA (p.Ser1339fs)

Gene: ABCA2 (ATP binding cassette subfamily A member 2; minus strand). Cytogenetic location: 9q34.3.
Variant type: Insertion.
Coding change: c.4015_4016insA on transcript NM_001606.5 (MANE Select); coding-DNA positions 4015 to 4016, A inserted.
Protein change: p.Ser1339fs; shifts the reading frame from serine 1339.
Molecular consequence: frameshift variant.
Genome position: GRCh38 VCF-style: chr9-137014392-G-GT. GRCh37 (hg19) VCF-style: chr9-139908844-G-GT.
Other names: c.4012_4013insA, p.Ser1338fs (NM_001411042.1); c.4105_4106insA, p.Ser1369fs (NM_212533.3); short protein forms S1338fs, S1339fs, S1369fs.
Identifiers: ClinVar variation 3906178 (VCV003906178.1).

ClinVar aggregate classification (germline): Likely pathogenic (1 of 4 stars; one submission).

Conditions:
Intellectual developmental disorder with poor growth and with or without seizures or ataxia. Identifiers: MedGen C5394135, MONDO:0032930, OMIM 618808.

Submission:

Kasturba Medical College, Manipal, Kasturba Medical College, Manipal, Manipal Academy of Higher Education, Manipal, India
Classification: Likely pathogenic for Intellectual developmental disorder with poor growth and with or without seizures or ataxia. Review status: criteria provided, single submitter. Criteria: ACMG Guidelines, 2015. Collection method: research. Allele origin: biparental. Inheritance: Autosomal recessive inheritance. Affected: yes. Observed: 1 homozygote.
Comment: This variant is not reported in homozygous and/or heterozygous state in the population database gnomAD (v4.1.0) and our in-house exome database of 3597 individuals. This insertion is likely to cause a shift in the reading frame and result in a premature truncation of the transcript which can either lead to nonsense-mediated mRNA decay or the formation of a truncated ABCA2 protein product.